The following is an entry in ClinVar:

NM_001089.3(ABCA3):c.2958del (p.Asp988fs)

Gene: ABCA3 (ATP binding cassette subfamily A member 3; minus strand). Cytogenetic location: 16p13.3.
Variant type: Deletion.
Coding change: c.2958del on transcript NM_001089.3 (MANE Select); coding-DNA position 2958, one base deleted (G; older notation c.2958delG).
Protein change: p.Asp988fs; shifts the reading frame from aspartic acid 988.
Molecular consequence: frameshift variant.
Genome position (GRCh38, 1-based): chr16:2,288,072, C deleted on the plus strand (G on the coding strand, the reverse complement: ABCA3 is on the minus strand). VCF-style (leftmost placement, unchanged base first): chr16-2288071-TC-T. GRCh37 (hg19) VCF-style: chr16-2338072-TC-T.
Other names: short protein forms D988fs.
Identifiers: ClinVar variation 2850510 (VCV002850510.4), dbSNP rs2505627227, ClinGen allele CA2575882614.

ClinVar aggregate classification (germline): Pathogenic. Review status: criteria provided, multiple submitters, no conflicts (2 of 4 stars). 2 submissions from 2 submitters: Pathogenic (2). Last evaluated 2026-07-01.

Conditions:
Interstitial lung disease due to ABCA3 deficiency. Also called: PULMONARY ALVEOLAR PROTEINOSIS, CONGENITAL, 3. Identifiers: Orphanet 440402, MedGen C1970456, MONDO:0012582, OMIM 610921.

Allele frequency attached by ClinVar (database versions not stated): gnomAD exomes below 0.00001.

Submissions (2):

Myriad Genetics, Inc.
Classification: Pathogenic for Interstitial lung disease due to ABCA3 deficiency. Last evaluated: 2026-07-01. Review status: criteria provided, single submitter. Criteria: Myriad Autosomal Dominant, Autosomal Recessive and X-Linked Classification Criteria (2023). Collection method: clinical testing. Allele origin: unknown.
Comment: NM_001089.2(ABCA3):c.2958delG(D988Tfs*21) is expected to be pathogenic in the context of surfactant deficiency, ABCA3-related. This variant is predicted to lead to an abnormal or absent protein product due to the creation of a premature termination codon in ABCA3, a gene where loss-of-function variants are known to be pathogenic. Please note: this variant was assessed in the context of healthy population screening.

Labcorp Genetics (formerly Invitae), Labcorp
Classification: Pathogenic. Last evaluated: 2023-03-28. Review status: criteria provided, single submitter. Criteria: Invitae Variant Classification Sherloc (09022015). Collection method: clinical testing. Allele origin: germline.
Comment: This sequence change creates a premature translational stop signal (p.Asp988Thrfs*21) in the ABCA3 gene. It is expected to result in an absent or disrupted protein product. Loss-of-function variants in ABCA3 are known to be pathogenic (PMID: 27516224). This variant is not present in population databases (gnomAD no frequency). This variant has not been reported in the literature in individuals affected with ABCA3-related conditions. For these reasons, this variant has been classified as Pathogenic.

Literature cited by the submitters: PubMed 27516224 (cited by Labcorp Genetics (formerly Invitae), Labcorp).